The following is an entry in ClinVar:

NC_000009.11:g.(?_111631395)_(111929571_?)del

Genes: TMEM245 (transmembrane protein 245; minus strand), ABITRAM (actin binding transcription modulator; plus strand), CTNNAL1 (catenin alpha like 1; minus strand), ELP1 (elongator acetyltransferase complex subunit 1; minus strand), FRRS1L (ferric chelate reductase 1 like; minus strand) and 1 more. Cytogenetic location: 9q31.3.
Variant type: Deletion.
Identifiers: ClinVar variation 3245318 (VCV003245318.1).

ClinVar aggregate classification (germline): Pathogenic (1 of 4 stars; one submission).

Submission:

Labcorp Genetics (formerly Invitae), Labcorp
Classification: Pathogenic. Last evaluated: 2022-02-22. Review status: criteria provided, single submitter. Criteria: Invitae Variant Classification Sherloc (09022015). Collection method: clinical testing. Allele origin: unknown.
Comment: For these reasons, this variant has been classified as Pathogenic. This variant has not been reported in the literature in individuals affected with ELP1-related conditions. A gross deletion of the genomic region encompassing the full coding sequence of the ELP1 gene has been identified. Loss-of-function variants in ELP1 are known to be pathogenic (PMID: 18303054, 24173031). The boundaries of this event are unknown as they extend beyond the assayed region for this gene and therefore may encompass additional genes.

Literature cited by the submitters: PubMed 18303054; PubMed 24173031.